The following is an entry in ClinVar:

ClinVar aggregate classification (germline): Pathogenic (1 of 4 stars; one submission).

Conditions:
Primary ciliary dyskinesia. Also called: Ciliary dyskinesia. Identifiers: Orphanet 244, MedGen C0008780, MONDO:0016575, HP:0012265.

Allele frequency attached by ClinVar (database versions not stated): 1000 Genomes Project 30x 0.00016.

Submission:

Institute Of Molecular Biology And Genetics, Federal Almazov National Medical Research Centre
Classification: Pathogenic for Primary ciliary dyskinesia. Last evaluated: 2023-12-11. Review status: criteria provided, single submitter. Criteria: ACMG Guidelines, 2015. Collection method: clinical testing. Allele origin: maternal. Affected: yes. Observed: 1 variant allele.
Comment: The c.10949-2A>G variant alters an acceptor splice site in intron 64 of the HYDIN gene and is predicted to disrupt RNA splicing. Loss-of-function is a known mechanism of primary ciliary dyskinesia. The variant is not present in the population database gnomAD. Besides, it has not been previously described in association with PCD cases either in ClinVar database, or in the literature. For these reasons, this variant has been classified as Pathogenic.

NM_001270974.2(HYDIN):c.10949-2A>G

Gene: HYDIN (HYDIN axonemal central pair apparatus protein; minus strand). Cytogenetic location: 16q22.2.
Variant type: single nucleotide variant.
Coding change: c.10949-2A>G on transcript NM_001270974.2 (MANE Select); the canonical splice acceptor site of the intron before coding-DNA position 10949, A replaced by G.
Molecular consequence: splice acceptor variant.
Genome position (GRCh38, 1-based): chr16:70,872,181, T>C on the plus strand (A>G on the coding strand, the complement: HYDIN is on the minus strand). VCF-style: chr16-70872181-T-C. GRCh37 (hg19) VCF-style: chr16-70906084-T-C.
Identifiers: ClinVar variation 2671841 (VCV002671841.2), dbSNP rs2143654921, ClinGen allele CA396611932.
Genomic context (GRCh38, chr16:70,872,181, plus strand): 5'-CGCATTATAGCTGTGTCCAATGTGGCAGTCCCCAAATTGGATGTGGTCCACCAGAGCAGC[T>C]AGGGATTAGAAGCAGAAGGCTGTGAGTCCTCCCTGGCCTCCCCTGAGGGCCTGCTGCCTT-3'